The following is an entry in ClinVar:

ClinVar aggregate classification (germline): Pathogenic (1 of 4 stars; one submission).

Conditions:
Xeroderma pigmentosum (XP). Identifiers: Orphanet 910, MedGen C0043346, MONDO:0019600.

gnomAD v4.1: 1 of 1,613,170 alleles (0.000062%); highest among the groups gnomAD compares: Admixed American, 0.0017%; no homozygotes.

Submission:

Women's Health and Genetics/Laboratory Corporation of America, LabCorp
Classification: Pathogenic for Xeroderma pigmentosum. Last evaluated: 2024-07-30. Review status: criteria provided, single submitter. Criteria: LabCorp Variant Classification Summary - May 2015. Collection method: clinical testing. Allele origin: germline.
Comment: Variant summary: ERCC4 c.307C>T (p.Gln103X) results in a premature termination codon, predicted to cause a truncation of the encoded protein or absence of the protein due to nonsense mediated decay, which are commonly known mechanisms for disease. The variant was absent in 251352 control chromosomes. To our knowledge, no occurrence of c.307C>T in individuals affected with Xeroderma Pigmentosum and no experimental evidence demonstrating its impact on protein function have been reported. No submitters have cited clinical-significance assessments for this variant to ClinVar. Based on the evidence outlined above, the variant was classified as pathogenic.

NM_005236.3(ERCC4):c.307C>T (p.Gln103Ter)

Gene: ERCC4 (ERCC excision repair 4, endonuclease catalytic subunit; plus strand). Cytogenetic location: 16p13.12.
Variant type: single nucleotide variant.
Coding change: c.307C>T on transcript NM_005236.3 (MANE Select); coding-DNA position 307, C replaced by T.
Protein change: p.Gln103Ter; replaces glutamine 103 with a stop codon.
Molecular consequence: nonsense.
Genome position (GRCh38, 1-based): chr16:13,922,130, C>T. VCF-style: chr16-13922130-C-T. GRCh37 (hg19) VCF-style: chr16-14015987-C-T.
Other names: short protein forms Q103*.
Identifiers: ClinVar variation 3338943 (VCV003338943.1).